The following is an entry in ClinVar:

NM_001220.5(CAMK2B):c.1126G>A (p.Ala376Thr)

Gene: CAMK2B (calcium/calmodulin dependent protein kinase II beta; minus strand). Cytogenetic location: 7p13.
Variant type: single nucleotide variant.
Coding change: c.1126G>A on transcript NM_001220.5 (MANE Select); coding-DNA position 1126, G replaced by A.
Protein change: p.Ala376Thr; replaces alanine 376 with threonine.
Molecular consequence: missense variant. On other transcripts: intron variant (3).
Genome position (GRCh38, 1-based): chr7:44,234,395, C>T on the plus strand (G>A on the coding strand, the complement: CAMK2B is on the minus strand). VCF-style: chr7-44234395-C-T. GRCh37 (hg19) VCF-style: chr7-44273994-C-T.
Other names: c.1126G>A, p.Ala376Thr (NM_001293170.2, NM_172078.3); c.1054G>A, p.Ala352Thr (NM_172079.3, NM_172081.3); c.1051G>A, p.Ala351Thr (NM_172080.3); c.946+6312G>A (NM_172084.3); c.987+244G>A (NM_172083.3); c.1059+244G>A (NM_172082.3); short protein forms A376T, A351T, A352T.
Identifiers: ClinVar variation 1396429 (VCV001396429.6), dbSNP rs779826525, ClinGen allele CA4240470.

ClinVar aggregate classification (germline): Uncertain significance (1 of 4 stars; one submission).

Allele frequency attached by ClinVar (database versions not stated): TOPMed 0.00002; gnomAD exomes 0.00003; gnomAD 0.00004; ExAC 0.00005.
gnomAD v4.1: 22 of 1,523,818 alleles (0.0014%); highest among the groups gnomAD compares: African/African-American, 0.0097%; no homozygotes.

Submission:

Labcorp Genetics (formerly Invitae), Labcorp
Classification: Uncertain significance. Last evaluated: 2025-03-11. Review status: criteria provided, single submitter. Criteria: Invitae Variant Classification Sherloc (09022015). Collection method: clinical testing. Allele origin: germline.
Comment: This sequence change replaces alanine, which is neutral and non-polar, with threonine, which is neutral and polar, at codon 376 of the CAMK2B protein (p.Ala376Thr). The frequency data for this variant in the population databases is considered unreliable, as metrics indicate poor data quality at this position in the gnomAD database. This variant has not been reported in the literature in individuals affected with CAMK2B-related conditions. ClinVar contains an entry for this variant (Variation ID: 1396429). An algorithm developed to predict the effect of missense changes on protein structure and function outputs the following: PolyPhen-2: "Possibly Damaging". The threonine amino acid residue is found in multiple mammalian species, which suggests that this missense change does not adversely affect protein function. In summary, the available evidence is currently insufficient to determine the role of this variant in disease. Therefore, it has been classified as a Variant of Uncertain Significance.